The following is an entry in ClinVar:

NM_003280.3(TNNC1):c.5A>T (p.Asp2Val)

Gene: TNNC1 (troponin C1, slow skeletal and cardiac type; minus strand). Cytogenetic location: 3p21.1.
Variant type: single nucleotide variant.
Coding change: c.5A>T on transcript NM_003280.3 (MANE Select); coding-DNA position 5, A replaced by T.
Protein change: p.Asp2Val; replaces aspartic acid 2 with valine.
Molecular consequence: missense variant.
Genome position (GRCh38, 1-based): chr3:52,454,011, T>A on the plus strand (A>T on the coding strand, the complement: TNNC1 is on the minus strand). VCF-style: chr3-52454011-T-A. GRCh37 (hg19) VCF-style: chr3-52488027-T-A.
Other names: short protein forms D2V.
Identifiers: ClinVar variation 2048914 (VCV002048914.4), dbSNP rs397516850, ClinGen allele CA353170984.
Genomic context (GRCh38, chr3:52,454,011, plus strand): 5'-TGGGCCTGCCCACCCCAGCCCTACCCAGCCCTGTCCCTCACCGCAGCCTTGTAGATGTCA[T>A]CCATGCTGGCGGCTCACAGGACAGCTTGCTGGGGTTGCCAGCCGGCCCTTGACTTAAATA-3'
Protein context (NP_003271.1, residues 1-12): M[Asp2Val]DIYKAAVEQL

ClinVar aggregate classification (germline): Uncertain significance (1 of 4 stars; one submission).

Conditions:
Dilated cardiomyopathy 1Z (CMD1Z). Identifiers: Orphanet 154, MedGen C2678475, MONDO:0012745, OMIM 611879.
Hypertrophic cardiomyopathy 13. Also called: TNNC1-Related Familial Hypertrophic Cardiomyopathy. Identifiers: MedGen C2750472, MONDO:0013195, OMIM 613243.

Submission:

Labcorp Genetics (formerly Invitae), Labcorp
Classification: Uncertain significance for Hypertrophic cardiomyopathy 13; Dilated cardiomyopathy 1Z. Last evaluated: 2022-08-15. Review status: criteria provided, single submitter. Criteria: Invitae Variant Classification Sherloc (09022015). Collection method: clinical testing. Allele origin: germline.
Comment: In summary, the available evidence is currently insufficient to determine the role of this variant in disease. Therefore, it has been classified as a Variant of Uncertain Significance. Algorithms developed to predict the effect of missense changes on protein structure and function (SIFT, PolyPhen-2, Align-GVGD) all suggest that this variant is likely to be tolerated. This variant has not been reported in the literature in individuals affected with TNNC1-related conditions. This variant is not present in population databases (gnomAD no frequency). This sequence change replaces aspartic acid, which is acidic and polar, with valine, which is neutral and non-polar, at codon 2 of the TNNC1 protein (p.Asp2Val).